The following is an entry in ClinVar:

NM_012398.3(PIP5K1C):c.1979dup (p.Ala661fs)

Gene: PIP5K1C (phosphatidylinositol-4-phosphate 5-kinase type 1 gamma; minus strand). Cytogenetic location: 19p13.3.
Variant type: Duplication.
Coding change: c.1979dup on transcript NM_012398.3 (MANE Select); coding-DNA position 1979, one base duplicated (C; older notation c.1979dupC).
Protein change: p.Ala661fs; shifts the reading frame from alanine 661.
Molecular consequence: frameshift variant. On other transcripts: intron variant (1).
Genome position (GRCh38, 1-based): chr19:3,633,462, G duplicated on the plus strand (C on the coding strand, the reverse complement: PIP5K1C is on the minus strand); the first of 7 consecutive G bases (chr19:3,633,462-3,633,468); duplicating any one gives the same sequence. VCF-style (leftmost placement, unchanged base first): chr19-3633461-C-CG. GRCh37 (hg19) VCF-style: chr19-3633459-C-CG.
Other names: c.1921-299dup (NM_001195733.2); c.1979dup (NM_012398.2); short protein forms A661fs.
Identifiers: ClinVar variation 2579600 (VCV002579600.3), dbSNP rs748532409, ClinGen allele CA9081902.
Genomic context (GRCh38, chr19:3,633,461, plus strand): 5'-CCACGGGACCGGCGGGTGCACCTGGGCTGCACTTACTGTGTCGCTCTCGCCGTCGGAGGC[C>CG]GGGGGGGCCTGGGCGCTATAGTGGAGCGGGGAGTACACCCAGCTCCTCTCATCGGTGGGC-3'

ClinVar aggregate classification (germline): Uncertain significance (1 of 4 stars; one submission).

Submission:

GeneDx
Classification: Uncertain significance. Last evaluated: 2025-02-07. Review status: criteria provided, single submitter. Criteria: GeneDx Variant Classification Process June 2021. Collection method: clinical testing. Allele origin: germline. Affected: yes.
Comment: Frameshift variant predicted to result in abnormal protein length as the last 8 amino acid(s) are replaced with 80 different amino acid(s); Has not been previously published as pathogenic or benign to our knowledge